The following is an entry in ClinVar:

ClinVar aggregate classification (germline): Uncertain significance (1 of 4 stars; one submission).

Conditions:
Inborn genetic diseases. Identifiers: MedGen C0950123, MeSH D030342.

Allele frequency attached by ClinVar (database versions not stated): gnomAD exomes below 0.00001; ExAC 0.00001.
gnomAD v4.1: 1 of 1,613,754 alleles (0.000062%); highest among the groups gnomAD compares: East Asian, 0.0022%; no homozygotes.

Submission:

Ambry Genetics
Classification: Uncertain significance for Inborn genetic diseases. Last evaluated: 2023-05-23. Review status: criteria provided, single submitter. Criteria: Ambry Variant Classification Scheme 2023. Collection method: clinical testing. Allele origin: germline.
Comment: The p.S766T variant (also known as c.2296T>A), located in coding exon 19 of the LRRK2 gene, results from a T to A substitution at nucleotide position 2296. The serine at codon 766 is replaced by threonine, an amino acid with similar properties. This amino acid position is conserved. In addition, this alteration is predicted to be tolerated by in silico analysis. Since supporting evidence is limited at this time, the clinical significance of this alteration remains unclear.

NM_198578.4(LRRK2):c.2296T>A (p.Ser766Thr)

Gene: LRRK2 (leucine rich repeat kinase 2; plus strand). Cytogenetic location: 12q12.
Variant type: single nucleotide variant.
Coding change: c.2296T>A on transcript NM_198578.4 (MANE Select); coding-DNA position 2296, T replaced by A.
Protein change: p.Ser766Thr; replaces serine 766 with threonine.
Molecular consequence: missense variant.
Genome position (GRCh38, 1-based): chr12:40,283,929, T>A. VCF-style: chr12-40283929-T-A. GRCh37 (hg19) VCF-style: chr12-40677731-T-A.
Other names: short protein forms S766T.
Identifiers: ClinVar variation 2562411 (VCV002562411.2), dbSNP rs761028410, ClinGen allele CA6513608.